The following is an entry in ClinVar:

ClinVar aggregate classification (germline): Uncertain significance (1 of 4 stars; one submission).

Conditions:
Neuromuscular disease caused by qualitative or quantitative defects of dysferlin. Also called: Qualitative or quantitative defects of dysferlin; Dysferlinopathy. Identifiers: Orphanet 207073, MedGen C2931687, MONDO:0016145.

Allele frequency attached by ClinVar (database versions not stated): gnomAD exomes 0.00001.

Submission:

Labcorp Genetics (formerly Invitae), Labcorp
Classification: Uncertain significance for Neuromuscular disease caused by qualitative or quantitative defects of dysferlin. Last evaluated: 2022-09-06. Review status: criteria provided, single submitter. Criteria: Invitae Variant Classification Sherloc (09022015). Collection method: clinical testing. Allele origin: germline.
Comment: This sequence change replaces leucine, which is neutral and non-polar, with phenylalanine, which is neutral and non-polar, at codon 7 of the DYSF protein (p.Leu7Phe). The frequency data for this variant in the population databases is considered unreliable, as metrics indicate poor data quality at this position in the gnomAD database. This variant has not been reported in the literature in individuals affected with DYSF-related conditions. Advanced modeling of protein sequence and biophysical properties (such as structural, functional, and spatial information, amino acid conservation, physicochemical variation, residue mobility, and thermodynamic stability) performed at Invitae indicates that this missense variant is not expected to disrupt DYSF protein function. In summary, the available evidence is currently insufficient to determine the role of this variant in disease. Therefore, it has been classified as a Variant of Uncertain Significance.

NM_003494.4(DYSF):c.19C>T (p.Leu7Phe)

Gene: DYSF (dysferlin; plus strand). Cytogenetic location: 2p13.2.
Variant type: single nucleotide variant.
Coding change: c.19C>T on transcript NM_003494.4 (MANE Plus Clinical); coding-DNA position 19, C replaced by T.
Protein change: p.Leu7Phe; replaces leucine 7 with phenylalanine.
Molecular consequence: missense variant.
Genome position (GRCh38, 1-based): chr2:71,454,017, C>T. VCF-style: chr2-71454017-C-T. GRCh37 (hg19) VCF-style: chr2-71681147-C-T.
Other names: c.19C>T, p.Leu7Phe (NM_001130976.2, NM_001130977.2, NM_001130978.2 and 3 more transcripts); short protein forms L7F.
Identifiers: ClinVar variation 1940915 (VCV001940915.2), dbSNP rs1373048381, ClinGen allele CA347205944.
Genomic context (GRCh38, chr2:71,454,017, plus strand): 5'-CTCTTTGCGCCCTGGGCGCACGGGGCCCTACACGCGCCAAGCATGCTGAGGGTCTTCATC[C>T]TCTATGCCGAGAACGTCCACACACCCGACACCGACATCAGCGATGCCTACTGCTCCGCGG-3'
Protein context (NP_003485.1, residues 1-17): MLRVFI[Leu7Phe]YAENVHTPDT